The following is an entry in ClinVar:

NM_001379500.1(COL18A1):c.2673dup (p.Gly892fs)

Gene: COL18A1 (collagen type XVIII alpha 1 chain; plus strand). Cytogenetic location: 21q22.3.
Variant type: Duplication.
Coding change: c.2673dup on transcript NM_001379500.1 (MANE Select); coding-DNA position 2673, one base duplicated (C; older notation c.2673dupC).
Protein change: p.Gly892fs; shifts the reading frame from glycine 892.
Molecular consequence: frameshift variant.
Genome position (GRCh38, 1-based): chr21:45,497,651, C duplicated; the last of 7 consecutive C bases (chr21:45,497,645-45,497,651); duplicating any one gives the same sequence. VCF-style (leftmost placement, unchanged base first): chr21-45497644-G-GC. GRCh37 (hg19) VCF-style: chr21-46917558-G-GC.
Other names: NM_130445.2:c.2673dup; c.3213dup, p.Gly1072fs (NM_030582.4); c.3918dup, p.Gly1307fs (NM_130444.3); c.3213dupC (NM_030582.3); short protein forms G1072fs, G1307fs, G892fs.
Identifiers: ClinVar variation 403722 (VCV000403722.17), dbSNP rs749009747, ClinGen allele CA10067259.

ClinVar aggregate classification (germline): Pathogenic. Review status: criteria provided, multiple submitters, no conflicts (2 of 4 stars). 8 submissions from 8 submitters: Pathogenic (6). 2 of the submissions do not count toward it. Last evaluated 2026-01-26.

Conditions:
COL18A1-related disorder. Also called: COL18A1-related disorders; COL18A1-related condition.
Knobloch syndrome 1 (KNO1). Identifiers: MedGen C4551775, MONDO:0800167, OMIM 267750.
Knobloch syndrome (KNO). Also called: RETINAL DETACHMENT AND OCCIPITAL ENCEPHALOCELE; Myopia retinal detachment encephalocele. Identifiers: Orphanet 1571, MedGen C1849409, MONDO:0800166.

Submissions (8):

Labcorp Genetics (formerly Invitae), Labcorp
Classification: Pathogenic. Last evaluated: 2026-01-26. Review status: criteria provided, single submitter. Criteria: Invitae Variant Classification Sherloc (09022015). Collection method: clinical testing. Allele origin: germline.
Comment: This sequence change creates a premature translational stop signal (p.Gly892Argfs*9) in the COL18A1 gene. It is expected to result in an absent or disrupted protein product. Loss-of-function variants in COL18A1 are known to be pathogenic (PMID: 12415512, 25456301). The frequency data for this variant in the population databases is considered unreliable, as metrics indicate poor data quality at this position in the gnomAD database. This premature translational stop signal has been observed in individuals with Knobloch syndrome (PMID: 23667181, 27259167, 28144890). This variant is also known as c.3213dupC (p.Gly1072Argfs*9). ClinVar contains an entry for this variant (Variation ID: 403722). For these reasons, this variant has been classified as Pathogenic.

PreventionGenetics, part of Exact Sciences
Classification: Pathogenic for COL18A1-related condition. Last evaluated: 2025-12-04. Review status: criteria provided, single submitter. Criteria: ACMG Guidelines, 2015. Collection method: clinical testing. Allele origin: germline.
Comment: The COL18A1 c.3213dupC variant is predicted to result in a frameshift and premature protein termination (p.Gly1072Argfs*9). This variant has been reported in the homozygous or compound heterozygous state or along with a second variant in individuals with Knobloch syndrome or COL18A1-related disease (for example, reported as c.2673_2674insC in Suzuki et al. 2009. PubMed ID: 19390655; Gradstein et al. 2017. PubMed ID: 28144890; reported as c.2673dup, p.(Gly892ArgfsTer9) in Table S1, Lin et al. 2024. PubMed ID: 38219857). This variant is reported in 0.015% of alleles in individuals of European (Non-Finnish) descent in gnomAD. Frameshift variants in COL18A1 are expected to be pathogenic. This variant is interpreted as pathogenic.

GeneDx
Classification: Pathogenic. Last evaluated: 2025-12-01. Review status: criteria provided, single submitter. Criteria: GeneDx Variant Classification Process June 2021. Collection method: clinical testing. Allele origin: germline. Affected: yes.
Comment: Frameshift variant predicted to result in protein truncation or nonsense mediated decay in a gene for which loss of function is a known mechanism of disease; This variant is associated with the following publications: (PMID: 37217489, 28924418, 34680907, 31415705, 19390655, 28144890, 31589614, 38219857, 38847106, 27259167, 25456301, 23667181, 38255722, 39457419)

Blueprint Genetics
Classification: Pathogenic for COL18A1-related disorders. Last evaluated: 2024-09-21. Review status: criteria provided, single submitter. Criteria: ACMG Guidelines, 2015. Collection method: clinical testing. Allele origin: germline. Affected: yes. Observed: 5 variant alleles.

MGZ Medical Genetics Center
Classification: Pathogenic for Knobloch syndrome 1. Last evaluated: 2022-07-19. Review status: criteria provided, single submitter. Criteria: ACMG Guidelines, 2015. Collection method: clinical testing. Allele origin: germline. Affected: yes. Observed: 1 variant allele.
Comment: ACMG criteria applied: PVS1, PS4, PM3, PM2_SUP

Shenzhen Institute of Pediatrics, Shenzhen Children's Hospital
Classification: Pathogenic for Knobloch syndrome 1. Last evaluated: 2017-02-03. Review status: criteria provided, single submitter. Criteria: ACMG Guidelines, 2015. Collection method: clinical testing. Allele origin: maternal. Inheritance: Autosomal recessive inheritance. Affected: yes. Observed: 1 variant allele, 1 compound heterozygote.

Clinical Genetics DNA and cytogenetics Diagnostics Lab, Erasmus MC, Erasmus Medical Center
Classification: Pathogenic. Review status: no assertion criteria provided. Collection method: clinical testing. Allele origin: germline. Affected: yes. Study: VKGL Data-share Consensus. Not counted in ClinVar's aggregate classification.

Diagnostic Laboratory, Department of Genetics, University Medical Center Groningen
Classification: Pathogenic. Review status: no assertion criteria provided. Collection method: clinical testing. Allele origin: germline. Affected: yes. Study: VKGL Data-share Consensus. Not counted in ClinVar's aggregate classification.

Literature cited by the submitters: PubMed 12415512 (cited by Labcorp Genetics (formerly Invitae), Labcorp); PubMed 25456301 (cited by Labcorp Genetics (formerly Invitae), Labcorp); PubMed 23667181 (cited by Labcorp Genetics (formerly Invitae), Labcorp); PubMed 27259167 (cited by Labcorp Genetics (formerly Invitae), Labcorp); PubMed 28144890 (cited by Labcorp Genetics (formerly Invitae), Labcorp).